The following is an entry in ClinVar:

ClinVar aggregate classification (germline): Uncertain significance (1 of 4 stars; one submission).

Conditions:
Hypertrophic cardiomyopathy. Also called: HYPERTROPHIC MYOCARDIOPATHY. Identifiers: Orphanet 217569, MedGen C0007194, MeSH D002312, MONDO:0005045, HP:0001639.

Submission:

Labcorp Genetics (formerly Invitae), Labcorp
Classification: Uncertain significance for Hypertrophic cardiomyopathy. Last evaluated: 2017-11-07. Review status: criteria provided, single submitter. Criteria: Invitae Variant Classification Sherloc (09022015). Collection method: clinical testing. Allele origin: germline.
Comment: In summary, the available evidence is currently insufficient to determine the role of this variant in disease. Therefore, it has been classified as a Variant of Uncertain Significance. Algorithms developed to predict the effect of missense changes on protein structure and function do not agree on the potential impact of this missense change (SIFT: "Deleterious"; PolyPhen-2: "Possibly Damaging"; Align-GVGD: "Class C0"). This variant has not been reported in the literature in individuals with MYH7-related disease. This variant is not present in population databases (ExAC no frequency). This sequence change replaces lysine with glutamine at codon 1806 of the MYH7 protein (p.Lys1806Gln). The lysine residue is moderately conserved and there is a small physicochemical difference between lysine and glutamine.

NM_000257.4(MYH7):c.5416A>C (p.Lys1806Gln)

Gene: MYH7 (myosin heavy chain 7; minus strand). Cytogenetic location: 14q11.2.
Variant type: single nucleotide variant.
Coding change: c.5416A>C on transcript NM_000257.4 (MANE Select); coding-DNA position 5416, A replaced by C.
Protein change: p.Lys1806Gln; replaces lysine 1806 with glutamine.
Molecular consequence: missense variant.
Genome position (GRCh38, 1-based): chr14:23,415,138, T>G on the plus strand (A>C on the coding strand, the complement: MYH7 is on the minus strand). VCF-style: chr14-23415138-T-G. GRCh37 (hg19) VCF-style: chr14-23884347-T-G.
Other names: short protein forms K1806Q.
Identifiers: ClinVar variation 524966 (VCV000524966.8), dbSNP rs1555336161, ClinGen allele CA389035508.
Genomic context (GRCh38, chr14:23,415,138, plus strand): 5'-GCTCATTCTCCAGCTCCCGCACCCGCGCTTCCAGCTTCTGCAGCTGCTTCTTGCCGCCCT[T>G]GAGGGCGATCTGCTCGGCTTCGTCCAGCCGGTGCTGCAGGTCCTTAATGGTCTGTTCCAT-3'
Protein context (NP_000248.2, residues 1796-1816): RLDEAEQIAL[Lys1806Gln]GGKKQLQKLE